The following is an entry in ClinVar:

NM_000256.3(MYBPC3):c.2504_2505delinsTT (p.Arg835Leu)

Gene: MYBPC3 (myosin binding protein C3; minus strand). Cytogenetic location: 11p11.2.
Variant type: Indel.
Coding change: c.2504_2505delinsTT on transcript NM_000256.3 (MANE Select); coding-DNA positions 2504 to 2505, GC replaced by TT.
Protein change: p.Arg835Leu; replaces arginine 835 with leucine.
Molecular consequence: missense variant.
Genome position (GRCh38, 1-based): chr11:47,337,488-47,337,489, GC replaced by AA on the plus strand (GC replaced by TT on the coding strand, the reverse complement: MYBPC3 is on the minus strand). VCF-style: chr11-47337488-GC-AA. GRCh37 (hg19) VCF-style: chr11-47359039-GC-AA.
Other names: c.2504_2505delinsTT, p.Arg835Leu (LRG_386t1); c.2504_2505delGCinsTT (NM_000256.3); short protein forms R835L.
Identifiers: ClinVar variation 641688 (VCV000641688.13), dbSNP rs1595843667, ClinGen allele CA913187707.

ClinVar aggregate classification (germline): Conflicting classifications of pathogenicity. Review status: criteria provided, conflicting classifications (1 of 4 stars). 4 submissions from 4 submitters: Uncertain significance (3); Likely benign (1). Last evaluated 2026-01-17.

Conditions:
Cardiovascular phenotype. Identifiers: MedGen CN230736.
Cardiomyopathy (CMYO). Also called: Cardiomyopathies. Identifiers: Orphanet 167848, MedGen C0878544, MONDO:0004994, HP:0001638. Inheritance: Various modes of inheritance.
Hypertrophic cardiomyopathy. Also called: HYPERTROPHIC MYOCARDIOPATHY. Identifiers: Orphanet 217569, MedGen C0007194, MeSH D002312, MONDO:0005045, HP:0001639.

Submissions (4):

Labcorp Genetics (formerly Invitae), Labcorp
Classification: Uncertain significance for Hypertrophic cardiomyopathy. Last evaluated: 2026-01-17. Review status: criteria provided, single submitter. Criteria: Invitae Variant Classification Sherloc (09022015). Collection method: clinical testing. Allele origin: germline.
Comment: This sequence change replaces arginine, which is basic and polar, with leucine, which is neutral and non-polar, at codon 835 of the MYBPC3 protein (p.Arg835Leu). This variant is present in population databases (no rsID available, gnomAD 0.005%). This missense change has been observed in individuals with hypertrophic cardiomyopathy (PMID: 22112859, 22989827, 23283745, 23711808, 29907873). ClinVar contains an entry for this variant (Variation ID: 641688). An algorithm developed to predict the effect of missense changes on protein structure and function (PolyPhen-2) suggests that this variant is likely to be disruptive. In summary, the available evidence is currently insufficient to determine the role of this variant in disease. Therefore, it has been classified as a Variant of Uncertain Significance.

Color Diagnostics, LLC DBA Color Health
Classification: Uncertain significance for Cardiomyopathy. Last evaluated: 2024-02-20. Review status: criteria provided, single submitter. Criteria: ACMG Guidelines, 2015. Collection method: clinical testing. Allele origin: germline.
Comment: This missense variant replaces arginine with leucine at codon 835 of the MYBPC3 protein. To our knowledge, functional studies have not been reported for this variant. This variant has been reported in six individuals affected with hypertrophic cardiomyopathy, mostly in China and Japan (PMID: 20624503, 22112859, 22989827, 23283745, 23711808). It has also been reported in one individual affected with dilated cardiomyopathy (PMID: 35284542). This variant has been identified in 14/280406 chromosomes (14/19534 East Asian Chromosomes) in the general population by the Genome Aggregation Database (gnomAD). The available evidence is insufficient to determine the role of this variant in disease conclusively. Therefore, this variant is classified as a Variant of Uncertain Significance.

GeneDx
Classification: Uncertain significance. Last evaluated: 2023-03-30. Review status: criteria provided, single submitter. Criteria: GeneDx Variant Classification Process June 2021. Collection method: clinical testing. Allele origin: germline. Affected: yes.
Comment: In silico analysis supports a deleterious effect on protein structure/function; This variant is associated with the following publications: (PMID: 22989827, 22112859, 30606897, 35284542, 29907873, 23283745)

Ambry Genetics
Classification: Likely benign for Cardiovascular phenotype. Last evaluated: 2022-04-12. Review status: criteria provided, single submitter. Criteria: Ambry Variant Classification Scheme 2023. Collection method: clinical testing. Allele origin: germline.

Literature cited by the submitters: PubMed 22112859 (cited by 3 submitters); PubMed 22989827 (cited by 3 submitters); PubMed 23283745 (cited by 3 submitters); PubMed 23711808 (cited by 3 submitters); PubMed 29907873 (cited by Labcorp Genetics (formerly Invitae), Labcorp and Ambry Genetics); PubMed 20624503 (cited by Color Diagnostics, LLC DBA Color Health and Ambry Genetics); PubMed 35284542 (cited by Color Diagnostics, LLC DBA Color Health and Ambry Genetics); PubMed 20800588 (cited by Ambry Genetics); PubMed 25335496 (cited by Ambry Genetics).